The following is an entry in ClinVar:

ClinVar aggregate classification (germline): Uncertain significance (1 of 4 stars; one submission).

Conditions:
Sialuria. Also called: SIALURIA, FRENCH TYPE; Sialic Acid Storage Disease. Identifiers: Orphanet 3166, MedGen C0342853, MONDO:0010028, OMIM 269921.
GNE myopathy (NM). Also called: NONAKA DISTAL MYOPATHY; INCLUSION BODY MYOPATHY, HEREDITARY, AUTOSOMAL RECESSIVE; INCLUSION BODY MYOPATHY 2, AUTOSOMAL RECESSIVE; MYOPATHY, DISTAL, WITH OR WITHOUT RIMMED VACUOLES; IBM 2; Inclusion body myopathy autosomal recessive. Identifiers: Orphanet 602, MedGen C1853926, MONDO:0011603, OMIM 605820.

Submission:

Labcorp Genetics (formerly Invitae), Labcorp
Classification: Uncertain significance for Sialuria; GNE myopathy. Last evaluated: 2025-08-13. Review status: criteria provided, single submitter. Criteria: Invitae Variant Classification Sherloc (09022015). Collection method: clinical testing. Allele origin: germline.
Comment: This sequence change falls in intron 10 of the GNE gene. It does not directly change the encoded amino acid sequence of the GNE protein. It affects a nucleotide within the consensus splice site. This variant is not present in population databases (gnomAD no frequency). This variant has not been reported in the literature in individuals affected with GNE-related conditions. Variants that disrupt the consensus splice site are a relatively common cause of aberrant splicing (PMID: 17576681, 9536098). Algorithms developed to predict the effect of sequence changes on RNA splicing suggest that this variant is not likely to affect RNA splicing. In summary, the available evidence is currently insufficient to determine the role of this variant in disease. Therefore, it has been classified as a Variant of Uncertain Significance.

Literature cited by the submitters: PubMed 17576681; PubMed 9536098.

NM_005476.7(GNE):c.1816+4G>A

Gene: GNE (glucosamine (UDP-N-acetyl)-2-epimerase/N-acetylmannosamine kinase; minus strand). Cytogenetic location: 9p13.3.
Variant type: single nucleotide variant.
Coding change: c.1816+4G>A on transcript NM_005476.7 (MANE Select); 4 bases into the intron after coding-DNA position 1816, G replaced by A.
Molecular consequence: intron variant.
Genome position (GRCh38, 1-based): chr9:36,219,834, C>T on the plus strand (G>A on the coding strand, the complement: GNE is on the minus strand). VCF-style: chr9-36219834-C-T. GRCh37 (hg19) VCF-style: chr9-36219831-C-T.
Other names: c.1639+4G>A (NM_001190388.2, NM_001374798.1); c.1909+4G>A (NM_001128227.3); c.1486+4G>A (NM_001190384.3); c.1663+4G>A (NM_001374797.1); c.1594+4G>A (NM_001190383.3).
Identifiers: ClinVar variation 4785863 (VCV004785863.1).